The following is an entry in ClinVar:

NM_005633.4(SOS1):c.1905C>T (p.Cys635=)

Gene: SOS1 (SOS Ras/Rac guanine nucleotide exchange factor 1; minus strand). Cytogenetic location: 2p22.1.
Variant type: single nucleotide variant.
Coding change: c.1905C>T on transcript NM_005633.4 (MANE Select); coding-DNA position 1905, C replaced by T.
Protein change: p.Cys635=; no amino-acid change (cysteine 635 retained).
Molecular consequence: synonymous variant.
Genome position (GRCh38, 1-based): chr2:39,014,800, G>A on the plus strand (C>T on the coding strand, the complement: SOS1 is on the minus strand). VCF-style: chr2-39014800-G-A. GRCh37 (hg19) VCF-style: chr2-39241941-G-A.
Other names: c.1884C>T, p.Cys628= (NM_001382394.1); c.1905C>T, p.Cys635= (NM_001382395.1).
Identifiers: ClinVar variation 697561 (VCV000697561.14), dbSNP rs762900789, ClinGen allele CA1624518.

ClinVar aggregate classification (germline): Likely benign. Review status: criteria provided, multiple submitters, no conflicts (2 of 4 stars). 7 submissions from 6 submitters: Likely benign (7). Last evaluated 2026-01-26.

Conditions:
Cardiovascular phenotype. Identifiers: MedGen CN230736.
RASopathy. Also called: rasopathies; Noonan spectrum disorder. Identifiers: Orphanet 536391, MedGen C5555857, MONDO:0021060.
Fibromatosis, gingival, 1 (GINGF1). Identifiers: Orphanet 2024, MedGen C4551558, MONDO:0007609, OMIM 135300.
Noonan syndrome 4 (NS4). Also called: SOS1-Related Noonan Syndrome; NOONAN SYNDROME WITH PIGMENTED VILLONODULAR SYNOVITIS. Identifiers: Orphanet 648, MedGen C1853120, MONDO:0012547, OMIM 610733.
SOS1-related disorder. Also called: SOS1-related condition.

Allele frequency attached by ClinVar (database versions not stated): gnomAD exomes 0.00002; ExAC 0.00003; gnomAD 0.00004; TOPMed 0.00006.
gnomAD v4.1: 15 of 1,600,198 alleles (0.00094%); highest among the groups gnomAD compares: Non-Finnish European, 0.0011%; no homozygotes.

Submissions (7):

PreventionGenetics, part of Exact Sciences
Classification: Likely benign for SOS1-related condition. Last evaluated: 2026-01-26. Review status: criteria provided, single submitter. Criteria: ACMG Guidelines, 2015. Collection method: clinical testing. Allele origin: germline.
Comment: This variant is classified as likely benign based on ACMG/AMP sequence variant interpretation guidelines (Richards et al. 2015 PMID: 25741868, with internal and published modifications).

Labcorp Genetics (formerly Invitae), Labcorp
Classification: Likely benign for RASopathy. Last evaluated: 2025-12-31. Review status: criteria provided, single submitter. Criteria: Invitae Variant Classification Sherloc (09022015). Collection method: clinical testing. Allele origin: germline.

Fulgent Genetics
Classification: Likely benign for Fibromatosis, gingival, 1; Noonan syndrome 4. Last evaluated: 2021-08-24. Review status: criteria provided, single submitter. Criteria: ACMG Guidelines, 2015. Collection method: clinical testing. Allele origin: unknown.

Blueprint Genetics
Classification: Likely benign. Last evaluated: 2020-03-18. Review status: criteria provided, single submitter. Criteria: ACMG Guidelines, 2015. Collection method: clinical testing. Allele origin: germline.

Ambry Genetics
Classification: Likely benign for Cardiovascular phenotype. Last evaluated: 2020-01-22. Review status: criteria provided, single submitter. Criteria: Ambry Variant Classification Scheme 2023. Collection method: clinical testing. Allele origin: germline.

Genome-Nilou Lab
Classification: Likely benign for Noonan syndrome 4. Review status: criteria provided, single submitter. Criteria: ACMG Guidelines, 2015. Collection method: clinical testing. Allele origin: germline.

Genome-Nilou Lab
Classification: Likely benign for Fibromatosis, gingival, 1. Review status: criteria provided, single submitter. Criteria: ACMG Guidelines, 2015. Collection method: clinical testing. Allele origin: germline.